The following is an entry in ClinVar:

ClinVar aggregate classification (germline): Uncertain significance. Review status: criteria provided, multiple submitters, no conflicts (2 of 4 stars). 5 submissions from 5 submitters: Uncertain significance (5). Last evaluated 2025-12-14.

Conditions:
CHSY1-related disorder. Also called: CHSY1-related condition.
Inborn genetic diseases. Identifiers: MedGen C0950123, MeSH D030342.
Temtamy preaxial brachydactyly syndrome (TPBS). Identifiers: Orphanet 363417, MedGen C1854466, MONDO:0011533, OMIM 605282.

Allele frequency attached by ClinVar (database versions not stated): ExAC 0.00015; gnomAD 0.00017; 1000 Genomes Project 0.00020; TOPMed 0.00020; 1000 Genomes Project 30x 0.00031; ESP Exome Variant Server 0.00031.
gnomAD v4.1: 424 of 1,614,108 alleles (0.026%); highest among the groups gnomAD compares: Admixed American, 0.04%; no homozygotes.

Submissions (5):

PreventionGenetics, part of Exact Sciences
Classification: Uncertain significance for CHSY1-related condition. Last evaluated: 2025-12-14. Review status: criteria provided, single submitter. Criteria: ACMG Guidelines, 2015. Collection method: clinical testing. Allele origin: germline.
Comment: The CHSY1 c.1772G>A variant is predicted to result in the amino acid substitution p.Arg591His. To our knowledge, this variant has not been reported in the literature. This variant is reported in 0.037% of alleles in individuals of Latino descent in gnomAD. At this time, the clinical significance of this variant is uncertain due to the absence of conclusive functional and genetic evidence.

Blueprint Genetics
Classification: Uncertain significance. Last evaluated: 2024-08-16. Review status: criteria provided, single submitter. Criteria: ACMG Guidelines, 2015. Collection method: clinical testing. Allele origin: germline.

Ambry Genetics
Classification: Uncertain significance for Inborn genetic diseases. Last evaluated: 2022-09-28. Review status: criteria provided, single submitter. Criteria: Ambry Variant Classification Scheme 2023. Collection method: clinical testing. Allele origin: germline.

Labcorp Genetics (formerly Invitae), Labcorp
Classification: Uncertain significance for Temtamy preaxial brachydactyly syndrome. Last evaluated: 2022-02-22. Review status: criteria provided, single submitter. Criteria: Invitae Variant Classification Sherloc (09022015). Collection method: clinical testing. Allele origin: germline.
Comment: In summary, the available evidence is currently insufficient to determine the role of this variant in disease. Therefore, it has been classified as a Variant of Uncertain Significance. Algorithms developed to predict the effect of missense changes on protein structure and function output the following: SIFT: "Tolerated"; PolyPhen-2: "Benign"; Align-GVGD: "Class C0". The histidine amino acid residue is found in multiple mammalian species, which suggests that this missense change does not adversely affect protein function. ClinVar contains an entry for this variant (Variation ID: 594570). This variant has not been reported in the literature in individuals affected with CHSY1-related conditions. This variant is present in population databases (rs148790468, gnomAD 0.04%). This sequence change replaces arginine, which is basic and polar, with histidine, which is basic and polar, at codon 591 of the CHSY1 protein (p.Arg591His).

Eurofins Ntd Llc (ga)
Classification: Uncertain significance. Last evaluated: 2017-10-20. Review status: criteria provided, single submitter. Criteria: EGL Classification Definitions 2015. Collection method: clinical testing. Allele origin: germline. Observed: 1 variant allele, 1 heterozygote.

NM_014918.5(CHSY1):c.1772G>A (p.Arg591His)

Gene: CHSY1 (chondroitin sulfate synthase 1; minus strand). Cytogenetic location: 15q26.3.
Variant type: single nucleotide variant.
Coding change: c.1772G>A on transcript NM_014918.5 (MANE Select); coding-DNA position 1772, G replaced by A.
Protein change: p.Arg591His; replaces arginine 591 with histidine.
Molecular consequence: missense variant.
Genome position (GRCh38, 1-based): chr15:101,178,025, C>T on the plus strand (G>A on the coding strand, the complement: CHSY1 is on the minus strand). VCF-style: chr15-101178025-C-T. GRCh37 (hg19) VCF-style: chr15-101718230-C-T.
Other names: c.1772G>A (NM_014918.4); short protein forms R591H.
Identifiers: ClinVar variation 594570 (VCV000594570.13), dbSNP rs148790468, ClinGen allele CA7762463.
Genomic context (GRCh38, chr15:101,178,025, plus strand): 5'-GCTCTTGAAAACTCTCCAGACACAGGCAAAATCTGCATGTCGGCTTTAGGGTACTTAATG[C>T]GGTAATCTCTCATCAGTTCAACTTGTTTGGCCTTGTCAGGGTTGGAGTCAGAATTGAAAA-3'
Protein context (NP_055733.2, residues 581-601): AKQVELMRDY[Arg591His]IKYPKADMQI